The following is an entry in ClinVar:

ClinVar aggregate classification (germline): Likely benign (1 of 4 stars; one submission).

gnomAD v4.1: 3 of 1,600,046 alleles (0.00019%); highest among the groups gnomAD compares: South Asian, 0.0033%; no homozygotes.

Submission:

GeneDx
Classification: Likely benign. Last evaluated: 2018-05-01. Review status: criteria provided, single submitter. Criteria: GeneDx Variant Classification (06012015). Collection method: clinical testing. Allele origin: germline. Affected: yes.
Comment: This variant is considered likely benign or benign based on one or more of the following criteria: it is a conservative change, it occurs at a poorly conserved position in the protein, it is predicted to be benign by multiple in silico algorithms, and/or has population frequency not consistent with disease.

NM_005633.4(SOS1):c.3511-18A>T

Gene: SOS1 (SOS Ras/Rac guanine nucleotide exchange factor 1; minus strand). Cytogenetic location: 2p22.1.
Variant type: single nucleotide variant.
Coding change: c.3511-18A>T on transcript NM_005633.4 (MANE Select); 18 bases into the intron before coding-DNA position 3511, A replaced by T.
Molecular consequence: intron variant.
Genome position (GRCh38, 1-based): chr2:38,986,333, T>A on the plus strand (A>T on the coding strand, the complement: SOS1 is on the minus strand). VCF-style: chr2-38986333-T-A. GRCh37 (hg19) VCF-style: chr2-39213474-T-A.
Other names: c.3490-18A>T (NM_001382394.1); c.3466-18A>T (NM_001382395.1).
Identifiers: ClinVar variation 561798 (VCV000561798.1), dbSNP rs760383259, ClinGen allele CA532237861.